The following is an entry in ClinVar:

ClinVar aggregate classification (germline): Pathogenic (1 of 4 stars; one submission).

Conditions:
Familial cancer of breast. Also called: hereditary breast carcinoma; BREAST CANCER, FAMILIAL; Hereditary breast cancer. Identifiers: Orphanet 227535, MedGen C0346153, MONDO:0016419, OMIM 114480. Disease mechanism: loss of function.

Submission:

Labcorp Genetics (formerly Invitae), Labcorp
Classification: Pathogenic for Familial cancer of breast. Last evaluated: 2019-10-03. Review status: criteria provided, single submitter. Criteria: Invitae Variant Classification Sherloc (09022015). Collection method: clinical testing. Allele origin: germline.
Comment: For these reasons, this variant has been classified as Pathogenic. Loss-of-function variants in CHEK2 are known to be pathogenic (PMID: 21876083, 24713400). This variant has not been reported in the literature in individuals with CHEK2-related conditions. This variant is not present in population databases (ExAC no frequency). This sequence change creates a premature translational stop signal (p.Glu454Serfs*35) in the CHEK2 gene. It is expected to result in an absent or disrupted protein product.

Literature cited by the submitters: PubMed 21876083; PubMed 24713400.

NM_007194.4(CHEK2):c.1360_1361del (p.Glu454fs)

Gene: CHEK2 (checkpoint kinase 2; minus strand). Cytogenetic location: 22q12.1.
Variant type: Deletion.
Coding change: c.1360_1361del on transcript NM_007194.4 (MANE Select); coding-DNA positions 1360 to 1361, 2 bases deleted (GA; older notation c.1360_1361delGA).
Protein change: p.Glu454fs; shifts the reading frame from glutamic acid 454.
Molecular consequence: frameshift variant.
Genome position (GRCh38, 1-based): chr22:28,695,141-28,695,142, TC deleted on the plus strand (GA on the coding strand, the reverse complement: CHEK2 is on the minus strand); deleting any 2 consecutive bases within chr22:28,695,141-28,695,143 gives the same sequence; the c. name uses the placement nearest the transcript's 3' end. VCF-style (leftmost placement, unchanged base first): chr22-28695140-TTC-T. GRCh37 (hg19) VCF-style: chr22-29091128-TTC-T.
Other names: c.1488_1489delAG, p.Glu497Serfs (NM_001005735.3); c.696_697delAG, p.Glu233Serfs (NM_001257387.3); c.1158_1159delAG, p.Glu387Serfs (NM_001349956.3); c.1272_1273delAG, p.Glu425Serfs (NM_145862.3); short protein forms E497fs, E233fs, E425fs, E454fs, E387fs.
Identifiers: ClinVar variation 941126 (VCV000941126.8), dbSNP rs2052514918, ClinGen allele CA1139667017.